The following is an entry in ClinVar:

NM_001710.6(CFB):c.1407C>G (p.Ile469Met)

Gene: CFB (complement factor B; plus strand). Cytogenetic location: 6p21.33.
Variant type: single nucleotide variant.
Coding change: c.1407C>G on transcript NM_001710.6 (MANE Select); coding-DNA position 1407, C replaced by G.
Protein change: p.Ile469Met; replaces isoleucine 469 with methionine.
Molecular consequence: missense variant.
Genome position (GRCh38, 1-based): chr6:31,949,556, C>G. VCF-style: chr6-31949556-C-G. GRCh37 (hg19) VCF-style: chr6-31917333-C-G.
Other names: short protein forms I469M.
Identifiers: ClinVar variation 356288 (VCV000356288.17), dbSNP rs201798809, ClinGen allele CA3728312.

ClinVar aggregate classification (germline): Conflicting classifications of pathogenicity. Review status: criteria provided, conflicting classifications (1 of 4 stars). 7 submissions from 6 submitters: Uncertain significance (5); Likely benign (1). 1 of the submissions does not count toward it. Last evaluated 2026-09-17.

Conditions:
Atypical hemolytic-uremic syndrome with B factor anomaly. Also called: HEMOLYTIC UREMIC SYNDROME, ATYPICAL, SUSCEPTIBILITY TO, 4; AHUS, SUSCEPTIBILITY TO, 4. Identifiers: Orphanet 2134, MedGen C2752038, MONDO:0013042, OMIM 612924.
Macular degeneration. Also called: Degenerative disorder of macula. Identifiers: MedGen C0024437, MONDO:0003004, HP:0000608.
Atypical hemolytic-uremic syndrome. Identifiers: Orphanet 2134, MedGen C2931788, MONDO:0016244.

Allele frequency attached by ClinVar (database versions not stated): TOPMed 0.00014; gnomAD 0.00019; 1000 Genomes Project 0.00020; ESP Exome Variant Server 0.00024; 1000 Genomes Project 30x 0.00031.
gnomAD v4.1: 240 of 1,612,996 alleles (0.015%); highest among the groups gnomAD compares: Non-Finnish European, 0.02%; no homozygotes.

Submissions (7):

Genomenon, Inc
Classification: Uncertain significance for Atypical hemolytic-uremic syndrome. Last evaluated: 2026-09-17. Review status: criteria provided, single submitter. Criteria: Genomenon Sequence Variant Interpretation Standards - Updated. Collection method: curation. Allele origin: germline. Affected: no.
Comment: CFB p.Ile469Met (c.1407C>G) is a missense variant that changes the amino acid at codon 469 from Isoleucine to Methionine. This variant has been reported in the published literature (PMID:34169201;34714369). This variant is located in a mutational hotspot and/or important functional domain. It is absent or not present at a significant frequency in gnomAD. In conclusion, we classify CFB p.Ile469Met (c.1407C>G) as a variant of uncertain significance.

Labcorp Genetics (formerly Invitae), Labcorp
Classification: Uncertain significance. Last evaluated: 2025-09-10. Review status: criteria provided, single submitter. Criteria: Invitae Variant Classification Sherloc (09022015). Collection method: clinical testing. Allele origin: germline.
Comment: This sequence change replaces isoleucine, which is neutral and non-polar, with methionine, which is neutral and non-polar, at codon 469 of the CFB protein (p.Ile469Met). This variant is present in population databases (rs201798809, gnomAD 0.02%). This missense change has been observed in individual(s) with atypical hemolytic uremic syndrome (PMID: 28682564, 34169201). ClinVar contains an entry for this variant (Variation ID: 356288). An algorithm developed to predict the effect of missense changes on protein structure and function (PolyPhen-2) suggests that this variant is likely to be disruptive. In summary, the available evidence is currently insufficient to determine the role of this variant in disease. Therefore, it has been classified as a Variant of Uncertain Significance.

Blueprint Genetics
Classification: Uncertain significance. Last evaluated: 2024-10-18. Review status: criteria provided, single submitter. Criteria: ACMG Guidelines, 2015. Collection method: clinical testing. Allele origin: germline.

Women's Health and Genetics/Laboratory Corporation of America, LabCorp
Classification: Uncertain significance. Last evaluated: 2024-04-15. Review status: criteria provided, single submitter. Criteria: LabCorp Variant Classification Summary - May 2015. Collection method: clinical testing. Allele origin: germline.
Comment: Variant summary: CFB c.1407C>G (p.Ile469Met) results in a conservative amino acid change located in the von Willebrand factor, type A domain (IPR002035) of the encoded protein sequence. Three of five in-silico tools predict a damaging effect of the variant on protein function. Several computational tools predict a significant impact on normal splicing: One predict the variant abolishes a 5' splicing donor site. Two predict the variant weakens a 5' donor site. One predict the variant no significant impact on splicing. However, these predictions have yet to be confirmed by functional studies. The variant allele was found at a frequency of 9.7e-05 in 246880 control chromosomes, predominantly at a frequency of 0.0002 within the Non-Finnish European subpopulation in the gnomAD database. The observed variant frequency within Non-Finnish European control individuals in the gnomAD database is approximately 16000 fold of the estimated maximal expected allele frequency for a pathogenic variant in CFB causing Genetic Atypical Hemolytic Uremic Syndrome phenotype (1.3e-08), strongly suggesting that the variant is a benign polymorphism found primarily in populations of Non-Finnish European origin. c.1407C>G has been reported in the literature in individuals affected with Genetic Atypical Hemolytic Uremic Syndrome (e.g., Visconti_2017, Ardissino_2021, Haydock_2022) as well as an individual with bilateral choroidal neovascularization (e.g., Sardell_2016), but also in healthy controls (e.g., Marinozzi_2014, Ardissino_2021). These data therefore do not allow any conclusion about variant significance. To our knowledge, no experimental evidence demonstrating an impact on protein function has been reported. The following publications have been ascertained in the context of this evaluation (PMID: 34169201, 34714369, 24652797, 27625572, 28682564). ClinVar contains an entry for this variant (Variation ID: 356288). Based on the evidence outlined above, the variant was classified as VUS-possibly benign.

Illumina Laboratory Services, Illumina
Classification: Uncertain significance for Macular degeneration. Last evaluated: 2018-01-12. Review status: criteria provided, single submitter. Criteria: ICSL Variant Classification Criteria 13 December 2019. Collection method: clinical testing. Allele origin: germline.

Illumina Laboratory Services, Illumina
Classification: Likely benign for Atypical hemolytic-uremic syndrome with B factor anomaly. Last evaluated: 2018-01-12. Review status: criteria provided, single submitter. Criteria: ICSL Variant Classification Criteria 13 December 2019. Collection method: clinical testing. Allele origin: germline.
Comment: This variant was observed in the ICSL laboratory as part of a predisposition screen in an ostensibly healthy population. It had not been previously curated by ICSL or reported in the Human Gene Mutation Database (HGMD: prior to June 1st, 2018), and was therefore a candidate for classification through an automated scoring system. Utilizing variant allele frequency, disease prevalence and penetrance estimates, and inheritance mode, an automated score was calculated to assess if this variant is too frequent to cause the disease. Based on the score and internal cut-off values, a variant classified as likely benign is not then subjected to further curation. The score for this variant resulted in a classification of likely benign for this disease.

Bioscientia Institut fuer Medizinische Diagnostik GmbH, Sonic Healthcare
Classification: Uncertain significance for Atypical hemolytic-uremic syndrome with B factor anomaly. Review status: no assertion criteria provided. Collection method: clinical testing. Allele origin: germline. Affected: yes. Not counted in ClinVar's aggregate classification.

Literature cited by the submitters: PubMed 34169201 (cited by 3 submitters); PubMed 34714369 (cited by Genomenon, Inc and Women's Health and Genetics/Laboratory Corporation of America, LabCorp); PubMed 28682564 (cited by Labcorp Genetics (formerly Invitae), Labcorp and Women's Health and Genetics/Laboratory Corporation of America, LabCorp); PubMed 24652797 (cited by Women's Health and Genetics/Laboratory Corporation of America, LabCorp); PubMed 27625572 (cited by Women's Health and Genetics/Laboratory Corporation of America, LabCorp).